The following is an entry in ClinVar:

ClinVar aggregate classification (germline): Uncertain significance. Review status: criteria provided, multiple submitters, no conflicts (2 of 4 stars). 6 submissions from 6 submitters: Uncertain significance (5). 1 of the submissions does not count toward it. Last evaluated 2026-01-07.

Conditions:
ATM-related disorder. Also called: ATM-related disorders; ATM-related condition.
Hereditary cancer-predisposing syndrome. Also called: Neoplastic Syndromes, Hereditary; Hereditary neoplastic syndrome; Tumor predisposition; Hereditary Cancer Syndrome. Identifiers: Orphanet 140162, MedGen C0027672, MeSH D009386, MONDO:0015356.
Ataxia-telangiectasia syndrome (AT). Also called: Ataxia telangiectasia (A-T); Cerebello-oculocutaneous telangiectasia; Immunodeficiency with ataxia telangiectasia; LOUIS-BAR SYNDROME; AT, COMPLEMENTATION GROUP C; ATAXIA-TELANGIECTASIA, FRESNO VARIANT. Identifiers: Orphanet 100, MedGen C0004135, MONDO:0008840, OMIM 208900.

Allele frequency attached by ClinVar (database versions not stated): gnomAD exomes below 0.00001; ExAC 0.00001.
gnomAD v4.1: 1 of 1,612,628 alleles (0.000062%); highest among the groups gnomAD compares: Non-Finnish European, 0.000085%; no homozygotes.

Submissions (6):

Labcorp Genetics (formerly Invitae), Labcorp
Classification: Uncertain significance for Ataxia-telangiectasia syndrome. Last evaluated: 2026-01-07. Review status: criteria provided, single submitter. Criteria: Invitae Variant Classification Sherloc (09022015). Collection method: clinical testing. Allele origin: germline.
Comment: This sequence change replaces proline, which is neutral and non-polar, with histidine, which is basic and polar, at codon 1922 of the ATM protein (p.Pro1922His). This variant is present in population databases (rs751792004, gnomAD 0.0009%). This variant has not been reported in the literature in individuals affected with ATM-related conditions. ClinVar contains an entry for this variant (Variation ID: 233041). An algorithm developed to predict the effect of missense changes on protein structure and function (PolyPhen-2) suggests that this variant is likely to be disruptive. In summary, the available evidence is currently insufficient to determine the role of this variant in disease. Therefore, it has been classified as a Variant of Uncertain Significance.

Ambry Genetics
Classification: Uncertain significance for Hereditary cancer-predisposing syndrome. Last evaluated: 2025-10-14. Review status: criteria provided, single submitter. Criteria: Ambry Variant Classification Scheme 2023. Collection method: clinical testing. Allele origin: germline.
Comment: The p.P1922H variant (also known as c.5765C>A), located in coding exon 38 of the ATM gene, results from a C to A substitution at nucleotide position 5765. The proline at codon 1922 is replaced by histidine, an amino acid with similar properties. This amino acid position is not well conserved in available vertebrate species. In addition, this alteration is predicted to be tolerated by in silico analysis. Since supporting evidence is limited at this time, the clinical significance of this alteration remains unclear.

GeneDx
Classification: Uncertain significance. Last evaluated: 2023-06-07. Review status: criteria provided, single submitter. Criteria: GeneDx Variant Classification Process June 2021. Collection method: clinical testing. Allele origin: germline. Affected: yes.
Comment: Not observed at significant frequency in large population cohorts (gnomAD); In silico analysis supports that this missense variant has a deleterious effect on protein structure/function; Observed in an individual with kidney cancer whose testing also identified ATM p.(G1925E) (Yehia et al., 2018); This variant is associated with the following publications: (PMID: 29684080)

Color Diagnostics, LLC DBA Color Health
Classification: Uncertain significance for Hereditary cancer-predisposing syndrome. Last evaluated: 2022-09-09. Review status: criteria provided, single submitter. Criteria: ACMG Guidelines, 2015. Collection method: clinical testing. Allele origin: germline.
Comment: This missense variant replaces proline with histidine at codon 1922 of the ATM protein. Computational prediction suggests that this variant may not impact protein structure and function (internally defined REVEL score threshold <= 0.5, PMID: 27666373). To our knowledge, functional studies have not been reported for this variant. This variant has not been reported in individuals affected with hereditary cancer in the literature. This variant has been identified in 1/245598 chromosomes in the general population by the Genome Aggregation Database (gnomAD). The available evidence is insufficient to determine the role of this variant in disease conclusively. Therefore, this variant is classified as a Variant of Uncertain Significance.

Sema4
Classification: Uncertain significance for Hereditary cancer-predisposing syndrome. Last evaluated: 2021-11-15. Review status: criteria provided, single submitter. Criteria: Sema4 Curation Guidelines. Collection method: curation. Allele origin: germline.
Comment: To the best of our knowledge, the ATM c.5765C>A (p.P1922H) has not been reported in individuals with ATM-related disease. It was not observed in the large and broad cohorts of the Genome Aggregation Database (PMID: 32461654). The variant has been reported in ClinVar (Variation ID 233041). Functional studies have not been performed, and in silico predictions of the variant's effect on protein function are inconclusive. The evidence is insufficient to meet ACMG/AMP criteria for classifying the variant as benign or pathogenic. Thus, the clinical significance of this variant is currently uncertain.

PreventionGenetics, part of Exact Sciences
Classification: Uncertain significance for ATM-related condition. Last evaluated: 2024-05-30. Review status: no assertion criteria provided. Collection method: clinical testing. Allele origin: germline. Not counted in ClinVar's aggregate classification.
Comment: The ATM c.5765C>A variant is predicted to result in the amino acid substitution p.Pro1922His. To our knowledge, this variant has not been reported in the literature or in a large population database, indicating this variant is rare. This variant is interpreted as uncertain clinical significance in ClinVar. At this time, the clinical significance of this variant is uncertain due to the absence of conclusive functional and genetic evidence.

NM_000051.4(ATM):c.5765C>A (p.Pro1922His)

Genes: ATM (ATM serine/threonine kinase; plus strand), C11orf65 (chromosome 11 open reading frame 65; minus strand). Cytogenetic location: 11q22.3.
Variant type: single nucleotide variant.
Coding change: c.5765C>A on transcript NM_000051.4 (MANE Select); coding-DNA position 5765, C replaced by A.
Protein change: p.Pro1922His; replaces proline 1922 with histidine.
Molecular consequence: missense variant. On other transcripts: intron variant (2).
Genome position (GRCh38, 1-based): chr11:108,310,162, C>A. VCF-style: chr11-108310162-C-A. GRCh37 (hg19) VCF-style: chr11-108180889-C-A.
Other names: c.5765C>A, p.Pro1922His (NM_001351834.2); c.641-1091G>T (NM_001330368.2); c.*39-1091G>T (NM_001351110.2); short protein forms P1922H.
Identifiers: ClinVar variation 233041 (VCV000233041.21), dbSNP rs751792004, ClinGen allele CA6265783.